The following is an entry in ClinVar:

NM_001386298.1(CIC):c.2340A>G (p.Ser780=)

Gene: CIC (capicua transcriptional repressor; plus strand). Cytogenetic location: 19q13.2.
Variant type: single nucleotide variant.
Coding change: c.2340A>G on transcript NM_001386298.1 (MANE Select); coding-DNA position 2340, A replaced by G.
Protein change: p.Ser780=; no amino-acid change (serine 780 retained).
Molecular consequence: synonymous variant.
Genome position (GRCh38, 1-based): chr19:42,274,123, A>G. VCF-style: chr19-42274123-A-G. GRCh37 (hg19) VCF-style: chr19-42778275-A-G.
Other names: c.2340A>G, p.Ser780= (NM_001304815.2, NM_001379480.1, NM_001379482.1 and 6 more transcripts).
Identifiers: ClinVar variation 4533900 (VCV004533900.6).
Genomic context (GRCh38, chr19:42,274,123, plus strand): 5'-GCCGGCTGGCTTCCGGGCCGTGTCCCCTGCTGTGCCCTTCTCTCGCTCCCGCCAGCCCTC[A>G]CCATTGCTGCTGTTGCCACCCCCTGCCGGCCTGACCTCGGATCCAGGGCCCTCTGTGCGC-3'
Protein context (NP_001373227.1, residues 770-790): AVPFSRSRQP[Ser780=]PLLLLPPPAG

ClinVar aggregate classification (germline): Likely benign (1 of 4 stars; one submission).

Submission:

CeGaT Center for Human Genetics Tuebingen
Classification: Likely benign. Last evaluated: 2025-10-01. Review status: criteria provided, single submitter. Criteria: CeGaT Center For Human Genetics Tuebingen Variant Classification Criteria Version 2. Collection method: clinical testing. Allele origin: germline. Affected: yes. Observed: 1 variant allele.
Comment: CIC: PM2:Supporting, BP4, BP7